The following is an entry in ClinVar:

ClinVar aggregate classification (germline): Likely pathogenic. Review status: criteria provided, multiple submitters, no conflicts (2 of 4 stars). 2 submissions from 2 submitters: Likely pathogenic (2). Last evaluated 2024-07-20.

Conditions:
Inborn genetic diseases. Identifiers: MedGen C0950123, MeSH D030342.

Allele frequency attached by ClinVar (database versions not stated): TOPMed below 0.00001; gnomAD 0.00001.
gnomAD v4.1: 1 of 1,501,784 alleles (0.000067%); highest among the groups gnomAD compares: Non-Finnish European, 0.000093%; no homozygotes.

Submissions (2):

Labcorp Genetics (formerly Invitae), Labcorp
Classification: Likely pathogenic. Last evaluated: 2024-07-20. Review status: criteria provided, single submitter. Criteria: Invitae Variant Classification Sherloc (09022015). Collection method: clinical testing. Allele origin: germline.
Comment: This sequence change affects a donor splice site in intron 14 of the SEC24D gene. It is expected to disrupt RNA splicing. Variants that disrupt the donor or acceptor splice site typically lead to a loss of protein function (PMID: 16199547), and loss-of-function variants in SEC24D are known to be pathogenic (PMID: 25683121, 30462379). This variant is not present in population databases (gnomAD no frequency). This variant has not been reported in the literature in individuals affected with SEC24D-related conditions. ClinVar contains an entry for this variant (Variation ID: 985576). Algorithms developed to predict the effect of sequence changes on RNA splicing suggest that this variant may disrupt the consensus splice site. In summary, the currently available evidence indicates that the variant is pathogenic, but additional data are needed to prove that conclusively. Therefore, this variant has been classified as Likely Pathogenic.

Ambry Genetics
Classification: Likely pathogenic for Inborn genetic diseases. Last evaluated: 2018-06-07. Review status: criteria provided, single submitter. Criteria: Ambry exome assertion method (8-5-2015). Collection method: clinical testing. Allele origin: germline. Affected: yes. Observed: 1 variant allele.

Literature cited by the submitters: PubMed 16199547 (cited by Labcorp Genetics (formerly Invitae), Labcorp); PubMed 25683121 (cited by Labcorp Genetics (formerly Invitae), Labcorp); PubMed 30462379 (cited by Labcorp Genetics (formerly Invitae), Labcorp).

NM_014822.4(SEC24D):c.1824+1G>T

Gene: SEC24D (SEC24 homolog D, COPII component; minus strand). Cytogenetic location: 4q26.
Variant type: single nucleotide variant.
Coding change: c.1824+1G>T on transcript NM_014822.4 (MANE Select); the canonical splice donor site of the intron after coding-DNA position 1824, G replaced by T.
Molecular consequence: splice donor variant.
Genome position (GRCh38, 1-based): chr4:118,744,943, C>A on the plus strand (G>T on the coding strand, the complement: SEC24D is on the minus strand). VCF-style: chr4-118744943-C-A. GRCh37 (hg19) VCF-style: chr4-119666098-C-A.
Other names: c.1827+1G>T (NM_001318066.2).
Identifiers: ClinVar variation 985576 (VCV000985576.6), dbSNP rs1365665482, ClinGen allele CA358009491.